The following is an entry in ClinVar:

NM_022132.5(MCCC2):c.701G>A (p.Arg234His)

Gene: MCCC2 (methylcrotonyl-CoA carboxylase subunit 2; plus strand). Cytogenetic location: 5q13.2.
Variant type: single nucleotide variant.
Coding change: c.701G>A on transcript NM_022132.5 (MANE Select); coding-DNA position 701, G replaced by A.
Protein change: p.Arg234His; replaces arginine 234 with histidine.
Molecular consequence: missense variant. On other transcripts: intron variant (1).
Genome position (GRCh38, 1-based): chr5:71,626,716, G>A. VCF-style: chr5-71626716-G-A. GRCh37 (hg19) VCF-style: chr5-70922543-G-A.
Other names: c.625-5405G>A (NM_001363147.1); short protein forms R234H.
Identifiers: ClinVar variation 964758 (VCV000964758.11), dbSNP rs202100813, ClinGen allele CA3297845.

ClinVar aggregate classification (germline): Uncertain significance. Review status: criteria provided, multiple submitters, no conflicts (2 of 4 stars). 4 submissions from 4 submitters: Uncertain significance (3). 1 of the submissions does not count toward it. Last evaluated 2024-01-23.

Conditions:
Inborn genetic diseases. Identifiers: MedGen C0950123, MeSH D030342.
3-methylcrotonyl-CoA carboxylase 2 deficiency. Also called: METHYLCROTONYLGLYCINURIA, TYPE II; 3 alpha methylcrotonyl-CoA carboxylase 2 deficiency; 3 alpha methylcrotonylglycinuria 2; MCC 2 deficiency; Methylcrotonylglycinuria type 2. Identifiers: Orphanet 6, MedGen C1859499, MONDO:0008862, OMIM 210210.

Allele frequency attached by ClinVar (database versions not stated): ESP Exome Variant Server 0.00008; ExAC 0.00010; gnomAD 0.00014 and 0.00015; gnomAD exomes 0.00014 and 0.00033.
gnomAD v4.1: 490 of 1,614,012 alleles (0.03%); highest among the groups gnomAD compares: Non-Finnish European, 0.04%; no homozygotes.

Submissions (4):

Blueprint Genetics
Classification: Uncertain significance. Last evaluated: 2024-01-23. Review status: criteria provided, single submitter. Criteria: ACMG Guidelines, 2015. Collection method: clinical testing. Allele origin: germline.

Labcorp Genetics (formerly Invitae), Labcorp
Classification: Uncertain significance for 3-methylcrotonyl-CoA carboxylase 2 deficiency. Last evaluated: 2022-07-22. Review status: criteria provided, single submitter. Criteria: Invitae Variant Classification Sherloc (09022015). Collection method: clinical testing. Allele origin: germline.
Comment: This sequence change replaces arginine, which is basic and polar, with histidine, which is basic and polar, at codon 234 of the MCCC2 protein (p.Arg234His). This variant is present in population databases (rs202100813, gnomAD 0.03%). This variant has not been reported in the literature in individuals affected with MCCC2-related conditions. ClinVar contains an entry for this variant (Variation ID: 964758). Algorithms developed to predict the effect of missense changes on protein structure and function (SIFT, PolyPhen-2, Align-GVGD) all suggest that this variant is likely to be tolerated. In summary, the available evidence is currently insufficient to determine the role of this variant in disease. Therefore, it has been classified as a Variant of Uncertain Significance.

Ambry Genetics
Classification: Uncertain significance for Inborn genetic diseases. Last evaluated: 2021-07-06. Review status: criteria provided, single submitter. Criteria: Ambry Variant Classification Scheme 2023. Collection method: clinical testing. Allele origin: germline.

Natera, Inc.
Classification: Uncertain significance for 3-methylcrotonyl-CoA carboxylase 2 deficiency. Last evaluated: 2020-08-03. Review status: no assertion criteria provided. Collection method: clinical testing. Allele origin: germline. Not counted in ClinVar's aggregate classification.